The following is an entry in ClinVar:

ClinVar aggregate classification (germline): Uncertain significance (1 of 4 stars; one submission).

Conditions:
Inborn genetic diseases. Identifiers: MedGen C0950123, MeSH D030342.

Allele frequency attached by ClinVar (database versions not stated): TOPMed below 0.00001; gnomAD 0.00001.
gnomAD v4.1: 2 of 1,614,060 alleles (0.00012%); highest among the groups gnomAD compares: African/African-American, 0.0027%; no homozygotes.

Submission:

Ambry Genetics
Classification: Uncertain significance for Inborn genetic diseases. Last evaluated: 2023-11-24. Review status: criteria provided, single submitter. Criteria: Ambry Variant Classification Scheme 2023. Collection method: clinical testing. Allele origin: germline.
Comment: The p.S558C variant (also known as c.1673C>G), located in coding exon 12 of the EPAS1 gene, results from a C to G substitution at nucleotide position 1673. The serine at codon 558 is replaced by cysteine, an amino acid with dissimilar properties. This amino acid position is conserved. In addition, this alteration is predicted to be tolerated by in silico analysis. Since supporting evidence is limited at this time, the clinical significance of this alteration remains unclear.

NM_001430.5(EPAS1):c.1673C>G (p.Ser558Cys)

Gene: EPAS1 (endothelial PAS domain protein 1; plus strand). Cytogenetic location: 2p21.
Variant type: single nucleotide variant.
Coding change: c.1673C>G on transcript NM_001430.5 (MANE Select); coding-DNA position 1673, C replaced by G.
Protein change: p.Ser558Cys; replaces serine 558 with cysteine.
Molecular consequence: missense variant.
Genome position (GRCh38, 1-based): chr2:46,380,345, C>G. VCF-style: chr2-46380345-C-G. GRCh37 (hg19) VCF-style: chr2-46607484-C-G.
Other names: short protein forms S558C.
Identifiers: ClinVar variation 3221565 (VCV003221565.1), dbSNP rs1324765989, ClinGen allele CA346704639.
Genomic context (GRCh38, chr2:46,380,345, plus strand): 5'-AAGACTTCCAGCTAAGCCCCATCTGCCCCGAGGAGCGGCTCTTGGCGGAGAACCCACAGT[C>G]CACCCCCCAGCACTGCTTCAGTGCCATGACAAACATCTTCCAGCCACTGGCCCCTGTAGC-3'
Protein context (NP_001421.2, residues 548-568): EERLLAENPQ[Ser558Cys]TPQHCFSAMT